The following is an entry in ClinVar:

NM_001130965.3(SUN1):c.120C>G (p.His40Gln)

Gene: SUN1 (Sad1 and UNC84 domain containing 1; plus strand). Cytogenetic location: 7p22.3.
Variant type: single nucleotide variant.
Coding change: c.120C>G on transcript NM_001130965.3 (MANE Select); coding-DNA position 120, C replaced by G.
Protein change: p.His40Gln; replaces histidine 40 with glutamine.
Molecular consequence: missense variant. On other transcripts: 5 prime UTR variant (29), non-coding transcript variant (3), intron variant (2).
Genome position (GRCh38, 1-based): chr7:838,840, C>G. VCF-style: chr7-838840-C-G. GRCh37 (hg19) VCF-style: chr7-878477-C-G.
Other names: c.-31C>G (NM_001367671.1, NM_001367673.1, NM_001367679.1 and 25 more transcripts); c.120C>G, p.His40Gln (NM_001367672.1, NM_001367674.1, NM_001367675.1 and 34 more transcripts); c.78-3106C>G (NM_001367695.1); c.-301-3106C>G (NM_001367639.1); c.339C>G, p.His113Gln (NM_001367651.1); c.-642C>G (NM_001367658.1); c.183C>G, p.His61Gln (NM_001171945.2); c.-338C>G (NM_001367635.1); short protein forms H113Q, H40Q, H61Q.
Identifiers: ClinVar variation 2047545 (VCV002047545.4), dbSNP rs1806127302, ClinGen allele CA366544252.

ClinVar aggregate classification (germline): Uncertain significance (1 of 4 stars; one submission).

Conditions:
Emery-Dreifuss muscular dystrophy (EDMD). Also called: Scapuloperoneal syndrome, X-linked (formerly); Humeroperoneal neuromuscular disease, (formerly). Identifiers: Orphanet 261, MedGen C0410189, MONDO:0016830.

Allele frequency attached by ClinVar (database versions not stated): gnomAD 0.00001.

Submission:

Labcorp Genetics (formerly Invitae), Labcorp
Classification: Uncertain significance for Emery-Dreifuss muscular dystrophy. Last evaluated: 2022-07-06. Review status: criteria provided, single submitter. Criteria: Invitae Variant Classification Sherloc (09022015). Collection method: clinical testing. Allele origin: germline.
Comment: In summary, the available evidence is currently insufficient to determine the role of this variant in disease. Therefore, it has been classified as a Variant of Uncertain Significance. Algorithms developed to predict the effect of missense changes on protein structure and function are either unavailable or do not agree on the potential impact of this missense change (SIFT: "Tolerated"; PolyPhen-2: "Probably Damaging"; Align-GVGD: "Class C0"). This variant has not been reported in the literature in individuals affected with SUN1-related conditions. This variant is not present in population databases (gnomAD no frequency). This sequence change replaces histidine, which is basic and polar, with glutamine, which is neutral and polar, at codon 40 of the SUN1 protein (p.His40Gln).